The following is an entry in ClinVar:

ClinVar aggregate classification (germline): Uncertain significance (1 of 4 stars; one submission).

gnomAD v4.1: 1 of 1,208,383 alleles (0.000083%); highest among the groups gnomAD compares: African/African-American, 0.0018%; no homozygotes.

Submission:

GeneDx
Classification: Uncertain significance. Last evaluated: 2025-01-30. Review status: criteria provided, single submitter. Criteria: GeneDx Variant Classification Process June 2021. Collection method: clinical testing. Allele origin: germline. Affected: yes.
Comment: Not observed at significant frequency in large population cohorts (gnomAD); In silico analysis indicates that this missense variant does not alter protein structure/function; Has not been previously published as pathogenic or benign to our knowledge

NM_031407.7(HUWE1):c.3699T>G (p.Phe1233Leu)

Genes: HUWE1 (HECT, UBA and WWE domain containing E3 ubiquitin protein ligase 1; minus strand), LOC126863263 (BRD4-independent group 4 enhancer GRCh37_chrX:53619238-53620437; plus strand). Cytogenetic location: Xp11.22.
Variant type: single nucleotide variant.
Coding change: c.3699T>G on transcript NM_031407.7 (MANE Select); coding-DNA position 3699, T replaced by G.
Protein change: p.Phe1233Leu; replaces phenylalanine 1233 with leucine.
Molecular consequence: missense variant.
Genome position (GRCh38, 1-based): chrX:53,593,406, A>C on the plus strand (T>G on the coding strand, the complement: HUWE1 is on the minus strand). VCF-style: chrX-53593406-A-C. GRCh37 (hg19) VCF-style: chrX-53620366-A-C.
Other names: short protein forms F1233L.
Identifiers: ClinVar variation 4072750 (VCV004072750.1).